The following is an entry in ClinVar:

ClinVar aggregate classification (germline): Uncertain significance (1 of 4 stars; one submission).

Conditions:
Hereditary cancer-predisposing syndrome. Also called: Neoplastic Syndromes, Hereditary; Tumor predisposition; Hereditary Cancer Syndrome; Hereditary neoplastic syndrome. Identifiers: Orphanet 140162, MedGen C0027672, MeSH D009386, MONDO:0015356.

gnomAD v4.1: 3 of 1,613,258 alleles (0.00019%); highest among the groups gnomAD compares: South Asian, 0.0033%; no homozygotes.

Submission:

Ambry Genetics
Classification: Uncertain significance for Hereditary cancer-predisposing syndrome. Last evaluated: 2014-03-14. Review status: criteria provided, single submitter. Criteria: Ambry Autosomal Dominant and X-Linked criteria (10/2015). Collection method: clinical testing. Allele origin: germline. Observed: 1 variant allele.
Comment: Ã¢â‚¬â€¹The p.P401L variant (also known as c.1202C>T), located in coding exon 10 of the NBN gene, results from a C to T substitution at nucleotide position 1202. The proline at codon 401 is replaced by leucine, an amino acid with similar properties. This variant was not reported in population based cohorts in the following databases: Database of Single Nucleotide Polymorphisms (dbSNP), NHLBI Exome Sequencing Project (ESP), and 1000 Genomes Project. To date, this alteration has been detected with an allele frequency of approximately 0.006% (greater than 15000 alleles tested) in our clinical cohort (includes this individual). This amino acid position is poorly conserved in available vertebrate species. In addition, this alteration is predicted to be benign and tolerated by PolyPhen and SIFT in silico analyses, respectively. Since supporting evidence is limited at this time, the clinical significance of p.P401L remains unclear.

NM_002485.5(NBN):c.1202C>T (p.Pro401Leu)

Gene: NBN (nibrin; minus strand). Cytogenetic location: 8q21.3.
Variant type: single nucleotide variant.
Coding change: c.1202C>T on transcript NM_002485.5 (MANE Select); coding-DNA position 1202, C replaced by T.
Protein change: p.Pro401Leu; replaces proline 401 with leucine.
Molecular consequence: missense variant.
Genome position (GRCh38, 1-based): chr8:89,955,478, G>A on the plus strand (C>T on the coding strand, the complement: NBN is on the minus strand). VCF-style: chr8-89955478-G-A. GRCh37 (hg19) VCF-style: chr8-90967706-G-A.
Other names: c.956C>T, p.Pro319Leu (NM_001024688.3); short protein forms P401L, P319L.
Identifiers: ClinVar variation 141616 (VCV000141616.3), dbSNP rs104895033, ClinGen allele CA165947.
Genomic context (GRCh38, chr8:89,955,478, plus strand): 5'-AAAGTATTTGATACCATACTATTATTATTAGAGCTTGTTTTGCAGGACTCCTTTACAGTG[G>A]GTGCATCTTGTGAAAGCATTCTGAATTTTTGTTCCATTTTGGAGACTTTGATTTCTTTTG-3'
Protein context (NP_002476.2, residues 391-411): QKFRMLSQDA[Pro401Leu]TVKESCKTSS